The following is an entry in ClinVar:

NM_001378964.1(CDON):c.*3830G>A

Gene: CDON (cell adhesion associated, oncogene regulated; minus strand). Cytogenetic location: 11q24.2.
Variant type: single nucleotide variant.
Coding change: c.*3830G>A on transcript NM_001378964.1 (MANE Select); 3830 bases downstream of the stop codon, G replaced by A.
Molecular consequence: 3 prime UTR variant.
Genome position (GRCh38, 1-based): chr11:125,957,112, C>T on the plus strand (G>A on the coding strand, the complement: CDON is on the minus strand). VCF-style: chr11-125957112-C-T. GRCh37 (hg19) VCF-style: chr11-125827007-C-T.
Other names: c.*3830G>A (NM_001243597.3, NM_016952.6).
Identifiers: ClinVar variation 303380 (VCV000303380.5), dbSNP rs116746244, ClinGen allele CA10637765.

ClinVar aggregate classification (germline): Benign (1 of 4 stars; one submission).

Conditions:
Holoprosencephaly 11 (HPE11). Identifiers: Orphanet 2162, MedGen C3280215, MONDO:0013642, OMIM 614226.

Allele frequency attached by ClinVar (database versions not stated): gnomAD 0.02319 and 0.02483; 1000 Genomes Project 30x 0.02577; gnomAD exomes 0.00358; 1000 Genomes Project 0.02276; TOPMed 0.02620.
gnomAD v4.1: 3,489 of 153,066 alleles (2.3%); highest among the groups gnomAD compares: African/African-American, 7.9%; 150 homozygotes.

Submission:

Illumina Laboratory Services, Illumina
Classification: Benign for Holoprosencephaly 11. Last evaluated: 2018-01-13. Review status: criteria provided, single submitter. Criteria: ICSL Variant Classification Criteria 13 December 2019. Collection method: clinical testing. Allele origin: germline.
Comment: This variant was observed in the ICSL laboratory as part of a predisposition screen in an ostensibly healthy population. It had not been previously curated by ICSL or reported in the Human Gene Mutation Database (HGMD: prior to June 1st, 2018), and was therefore a candidate for classification through an automated scoring system. Utilizing variant allele frequency, disease prevalence and penetrance estimates, and inheritance mode, an automated score was calculated to assess if this variant is too frequent to cause the disease. Based on the score and internal cut-off values, a variant classified as benign is not then subjected to further curation. The score for this variant resulted in a classification of benign for this disease.